The following is an entry in ClinVar:

NM_001199397.3(NEK1):c.1553A>G (p.Asn518Ser)

Gene: NEK1 (NIMA related kinase 1; minus strand). Cytogenetic location: 4q33.
Variant type: single nucleotide variant.
Coding change: c.1553A>G on transcript NM_001199397.3 (MANE Select); coding-DNA position 1553, A replaced by G.
Protein change: p.Asn518Ser; replaces asparagine 518 with serine.
Molecular consequence: missense variant. On other transcripts: non-coding transcript variant (1), intron variant (3).
Genome position (GRCh38, 1-based): chr4:169,555,729, T>C on the plus strand (A>G on the coding strand, the complement: NEK1 is on the minus strand). VCF-style: chr4-169555729-T-C. GRCh37 (hg19) VCF-style: chr4-170476880-T-C.
Other names: c.1553A>G, p.Asn518Ser (NM_001374418.1, NM_001374419.1, NM_012224.4); c.1502A>G, p.Asn501Ser (NM_001374420.1); c.1427A>G, p.Asn476Ser (NM_001374421.1); c.1355+203A>G (NM_001199399.3); c.1430+203A>G (NM_001199398.3, NM_001199400.3); short protein forms N518S, N476S, N501S.
Identifiers: ClinVar variation 2798156 (VCV002798156.3), dbSNP rs753918010, ClinGen allele CA3137709.

ClinVar aggregate classification (germline): Uncertain significance (1 of 4 stars; one submission).

Conditions:
Short-rib thoracic dysplasia 6 with or without polydactyly (SRTD6). Also called: Majewski Syndrome; SHORT-RIB THORACIC DYSPLASIA 6 WITH POLYDACTYLY; SHORT-RIB THORACIC DYSPLASIA 6 WITHOUT POLYDACTYLY; POLYDACTYLY WITH NEONATAL CHONDRODYSTROPHY, TYPE II; SHORT RIB-POLYDACTYLY SYNDROME, TYPE IIA. Identifiers: MedGen C0024507, MONDO:0009894, OMIM 263520.

Allele frequency attached by ClinVar (database versions not stated): gnomAD exomes 0.00002; ExAC 0.00004.
gnomAD v4.1: 37 of 1,613,832 alleles (0.0023%); highest among the groups gnomAD compares: East Asian, 0.0045%; no homozygotes.

Submission:

Labcorp Genetics (formerly Invitae), Labcorp
Classification: Uncertain significance for Short-rib thoracic dysplasia 6 with or without polydactyly. Last evaluated: 2023-07-30. Review status: criteria provided, single submitter. Criteria: Invitae Variant Classification Sherloc (09022015). Collection method: clinical testing. Allele origin: germline.
Comment: This sequence change replaces asparagine, which is neutral and polar, with serine, which is neutral and polar, at codon 518 of the NEK1 protein (p.Asn518Ser). This variant is present in population databases (rs753918010, gnomAD 0.02%). This variant has not been reported in the literature in individuals affected with NEK1-related conditions. Advanced modeling of protein sequence and biophysical properties (such as structural, functional, and spatial information, amino acid conservation, physicochemical variation, residue mobility, and thermodynamic stability) performed at Invitae indicates that this missense variant is not expected to disrupt NEK1 protein function. In summary, the available evidence is currently insufficient to determine the role of this variant in disease. Therefore, it has been classified as a Variant of Uncertain Significance.